The following is an entry in ClinVar:

ClinVar aggregate classification (germline): Likely pathogenic (1 of 4 stars; one submission).

Conditions:
Gaze palsy, familial horizontal, with progressive scoliosis 1 (HGPPS1). Identifiers: Orphanet 2744, MedGen C4551964, MONDO:0020790, OMIM 607313.

Submission:

Institute of Human Genetics, University of Leipzig Medical Center
Classification: Likely pathogenic for Gaze palsy, familial horizontal, with progressive scoliosis 1. Last evaluated: 2021-01-09. Review status: criteria provided, single submitter. Criteria: ACMG Guidelines, 2015. Collection method: curation. Allele origin: germline. Inheritance: Autosomal recessive inheritance. Affected: yes.
Comment: This ROBO3 variant was reported as Pathogenicâ€‹ in PMID: 27318526 with original nomenclature reported as c.1158G>C, Q386H. Variant was re-classified as Likely Pathogenic based on the criteria PVS1_Moderate, PM2_Supporting, PM3_Moderate, PP3_Supporting, PP4_Supporting.

Literature cited by the submitters: PubMed 27318526.

NM_022370.4(ROBO3):c.1158G>C (p.Gln386His)

Gene: ROBO3 (roundabout guidance receptor 3; plus strand). Cytogenetic location: 11q24.2.
Variant type: single nucleotide variant.
Coding change: c.1158G>C on transcript NM_022370.4 (MANE Select); coding-DNA position 1158, G replaced by C.
Protein change: p.Gln386His; replaces glutamine 386 with histidine.
Molecular consequence: missense variant.
Genome position (GRCh38, 1-based): chr11:124,871,138, G>C. VCF-style: chr11-124871138-G-C. GRCh37 (hg19) VCF-style: chr11-124741034-G-C.
Other names: short protein forms Q386H.
Identifiers: ClinVar variation 996108 (VCV000996108.1), dbSNP rs1286915599, ClinGen allele CA383139974.